The following is an entry in ClinVar:

NM_002941.4(ROBO1):c.3302C>T (p.Pro1101Leu)

Gene: ROBO1 (roundabout guidance receptor 1; minus strand). Cytogenetic location: 3p12.3.
Variant type: single nucleotide variant.
Coding change: c.3302C>T on transcript NM_002941.4 (MANE Select); coding-DNA position 3302, C replaced by T.
Protein change: p.Pro1101Leu; replaces proline 1101 with leucine.
Molecular consequence: missense variant.
Genome position (GRCh38, 1-based): chr3:78,635,844, G>A on the plus strand (C>T on the coding strand, the complement: ROBO1 is on the minus strand). VCF-style: chr3-78635844-G-A. GRCh37 (hg19) VCF-style: chr3-78684994-G-A.
Other names: c.3002C>T, p.Pro1001Leu (NM_001145845.2); c.3167C>T, p.Pro1056Leu (NM_133631.4); c.3302C>T (NM_002941.3); short protein forms P1001L, P1056L, P1101L.
Identifiers: ClinVar variation 3635773 (VCV003635773.3).

ClinVar aggregate classification (germline): Uncertain significance. Review status: criteria provided, multiple submitters, no conflicts (2 of 4 stars). 2 submissions from 2 submitters: Uncertain significance (2). Last evaluated 2025-02-11.

Conditions:
Inborn genetic diseases. Identifiers: MedGen C0950123, MeSH D030342.

gnomAD v4.1: 3 of 1,613,842 alleles (0.00019%); highest among the groups gnomAD compares: Non-Finnish European, 0.00017%; no homozygotes.

Submissions (2):

Labcorp Genetics (formerly Invitae), Labcorp
Classification: Uncertain significance. Last evaluated: 2025-02-11. Review status: criteria provided, single submitter. Criteria: Invitae Variant Classification Sherloc (09022015). Collection method: clinical testing. Allele origin: germline.
Comment: This sequence change replaces proline, which is neutral and non-polar, with leucine, which is neutral and non-polar, at codon 1101 of the ROBO1 protein (p.Pro1101Leu). This variant is present in population databases (no rsID available, gnomAD 0.002%). This variant has not been reported in the literature in individuals affected with ROBO1-related conditions. Invitae Evidence Modeling of protein sequence and biophysical properties (such as structural, functional, and spatial information, amino acid conservation, physicochemical variation, residue mobility, and thermodynamic stability) indicates that this missense variant is not expected to disrupt ROBO1 protein function with a negative predictive value of 95%. In summary, the available evidence is currently insufficient to determine the role of this variant in disease. Therefore, it has been classified as a Variant of Uncertain Significance.

Ambry Genetics
Classification: Uncertain significance for Inborn genetic diseases. Last evaluated: 2024-12-20. Review status: criteria provided, single submitter. Criteria: Ambry Variant Classification Scheme 2023. Collection method: clinical testing. Allele origin: germline.